The following is an entry in ClinVar:

NM_001330078.2(NRXN1):c.2595C>A (p.Phe865Leu)

Gene: NRXN1 (neurexin 1; minus strand). Cytogenetic location: 2p16.3.
Variant type: single nucleotide variant.
Coding change: c.2595C>A on transcript NM_001330078.2 (MANE Select); coding-DNA position 2595, C replaced by A.
Protein change: p.Phe865Leu; replaces phenylalanine 865 with leucine.
Molecular consequence: missense variant.
Genome position (GRCh38, 1-based): chr2:50,497,617, G>T on the plus strand (C>A on the coding strand, the complement: NRXN1 is on the minus strand). VCF-style: chr2-50497617-G-T. GRCh37 (hg19) VCF-style: chr2-50724755-G-T.
Other names: c.2715C>A, p.Phe905Leu (NM_001135659.3); c.2571C>A, p.Phe857Leu (NM_001330077.2, NM_001330082.2); c.2529C>A, p.Phe843Leu (NM_001330083.2, NM_001330084.2); c.2568C>A, p.Phe856Leu (NM_001330085.2); c.2595C>A, p.Phe865Leu (NM_001330086.2, NM_004801.6); c.2484C>A, p.Phe828Leu (NM_001330087.2, NM_001330096.2); c.2514C>A, p.Phe838Leu (NM_001330088.2); c.2592C>A, p.Phe864Leu (NM_001330093.2); and 2 more; short protein forms F828L, F838L, F843L, F848L, F856L, F857L, F861L, F864L.
Identifiers: ClinVar variation 3619735 (VCV003619735.2).

ClinVar aggregate classification (germline): Uncertain significance (1 of 4 stars; one submission).

Conditions:
Pitt-Hopkins-like syndrome 2 (PTHSL2). Identifiers: Orphanet 221150, Orphanet 600663, MedGen C3280479, MONDO:0013690, OMIM 614325.

gnomAD v4.1: 1 of 1,613,908 alleles (0.000062%); highest among the groups gnomAD compares: South Asian, 0.0011%; no homozygotes.

Submission:

Labcorp Genetics (formerly Invitae), Labcorp
Classification: Uncertain significance for Pitt-Hopkins-like syndrome 2. Last evaluated: 2024-09-14. Review status: criteria provided, single submitter. Criteria: Invitae Variant Classification Sherloc (09022015). Collection method: clinical testing. Allele origin: germline.
Comment: This sequence change replaces phenylalanine, which is neutral and non-polar, with leucine, which is neutral and non-polar, at codon 905 of the NRXN1 protein (p.Phe905Leu). This variant is not present in population databases (gnomAD no frequency). This variant has not been reported in the literature in individuals affected with NRXN1-related conditions. An algorithm developed to predict the effect of missense changes on protein structure and function (PolyPhen-2) suggests that this variant is likely to be disruptive. In summary, the available evidence is currently insufficient to determine the role of this variant in disease. Therefore, it has been classified as a Variant of Uncertain Significance.